The following is an entry in ClinVar:

NM_001848.3(COL6A1):c.1461+4A>G

Gene: COL6A1 (collagen type VI alpha 1 chain; plus strand). Cytogenetic location: 21q22.3.
Variant type: single nucleotide variant.
Coding change: c.1461+4A>G on transcript NM_001848.3 (MANE Select); 4 bases into the intron after coding-DNA position 1461, A replaced by G.
Molecular consequence: intron variant.
Genome position (GRCh38, 1-based): chr21:45,997,487, A>G. VCF-style: chr21-45997487-A-G. GRCh37 (hg19) VCF-style: chr21-47417401-A-G.
Identifiers: ClinVar variation 1693770 (VCV001693770.9), dbSNP rs201372759, ClinGen allele CA10070312.

ClinVar aggregate classification (germline): Uncertain significance. Review status: criteria provided, multiple submitters, no conflicts (2 of 4 stars). 3 submissions from 3 submitters: Uncertain significance (3). Last evaluated 2025-01-16.

Conditions:
Bethlem myopathy 1A. Also called: Bethlem myopathy 1; Bethlem Muscular Dystrophy; MYOPATHY, BENIGN CONGENITAL, WITH CONTRACTURES. Identifiers: Orphanet 610, MedGen CN029274, MONDO:0024530, OMIM 158810.
Ullrich congenital muscular dystrophy 1A. Also called: Ullrich congenital muscular dystrophy 1; Intermediate COL6-RD. Identifiers: Orphanet 75840, MedGen C0410179, MONDO:0009681, OMIM 254090.

Allele frequency attached by ClinVar (database versions not stated): gnomAD 0.00001; TOPMed 0.00002; ExAC 0.00004; gnomAD exomes 0.00004; 1000 Genomes Project 30x 0.00016; 1000 Genomes Project 0.00020.
gnomAD v4.1: 54 of 1,604,758 alleles (0.0034%); highest among the groups gnomAD compares: East Asian, 0.12%; 1 homozygote.

Submissions (3):

Labcorp Genetics (formerly Invitae), Labcorp
Classification: Uncertain significance for Bethlem myopathy 1A. Last evaluated: 2025-01-16. Review status: criteria provided, single submitter. Criteria: Invitae Variant Classification Sherloc (09022015). Collection method: clinical testing. Allele origin: germline.
Comment: This sequence change falls in intron 21 of the COL6A1 gene. It does not directly change the encoded amino acid sequence of the COL6A1 protein. It affects a nucleotide within the consensus splice site. This variant is present in population databases (rs201372759, gnomAD 0.05%). This variant has been observed in individuals with autosomal dominant Ullrich congenital muscular dystrophy (PMID: 24271325, 34167565). ClinVar contains an entry for this variant (Variation ID: 1693770). Variants that disrupt the consensus splice site are a relatively common cause of aberrant splicing (PMID: 17576681, 9536098). Algorithms developed to predict the effect of sequence changes on RNA splicing suggest that this variant is not likely to affect RNA splicing. In summary, the available evidence is currently insufficient to determine the role of this variant in disease. Therefore, it has been classified as a Variant of Uncertain Significance.

Mayo Clinic Laboratories, Mayo Clinic
Classification: Uncertain significance. Last evaluated: 2021-11-11. Review status: criteria provided, single submitter. Criteria: ACMG Guidelines, 2015. Collection method: clinical testing. Allele origin: germline.

Juno Genomics, Hangzhou Juno Genomics, Inc
Classification: Uncertain significance for Bethlem myopathy 1A; Ullrich congenital muscular dystrophy 1A. Review status: criteria provided, single submitter. Criteria: ACMG Guidelines, 2015. Collection method: clinical testing. Allele origin: germline.
Comment: Absent from controls (or at extremely low frequency if recessive) in Genome Aggregation Database.;Multiple lines of computational evidence support a deleterious effect on the gene or gene product.;Assumed de novo, but without confirmation of paternity and maternity.

Literature cited by the submitters: PubMed 24271325 (cited by Labcorp Genetics (formerly Invitae), Labcorp); PubMed 34167565 (cited by Labcorp Genetics (formerly Invitae), Labcorp); PubMed 17576681 (cited by Labcorp Genetics (formerly Invitae), Labcorp); PubMed 9536098 (cited by Labcorp Genetics (formerly Invitae), Labcorp).